The following is an entry in ClinVar:

NM_003954.5(MAP3K14):c.2530A>G (p.Met844Val)

Genes: MAP3K14 (mitogen-activated protein kinase kinase kinase 14; minus strand), MAP3K14-AS1 (MAP3K14 antisense RNA 1; plus strand). Cytogenetic location: 17q21.31.
Variant type: single nucleotide variant.
Coding change: c.2530A>G on transcript NM_003954.5 (MANE Select); coding-DNA position 2530, A replaced by G.
Protein change: p.Met844Val; replaces methionine 844 with valine.
Molecular consequence: missense variant.
Genome position (GRCh38, 1-based): chr17:45,266,585, T>C on the plus strand (A>G on the coding strand, the complement: MAP3K14 is on the minus strand). VCF-style: chr17-45266585-T-C. GRCh37 (hg19) VCF-style: chr17-43343952-T-C.
Other names: short protein forms M844V.
Identifiers: ClinVar variation 1433823 (VCV001433823.3), dbSNP rs771108600, ClinGen allele CA8613855.

ClinVar aggregate classification (germline): Uncertain significance (1 of 4 stars; one submission).

Conditions:
NIK deficiency. Also called: Primary immunodeficiency with multifaceted aberrant lymphoid immunity. Identifiers: Orphanet 447731, MedGen C5680065, MONDO:0018642.

Allele frequency attached by ClinVar (database versions not stated): ExAC 0.00003; TOPMed 0.00003; gnomAD 0.00004; gnomAD exomes 0.00006 and 0.00009.

Submission:

Labcorp Genetics (formerly Invitae), Labcorp
Classification: Uncertain significance for NIK deficiency. Last evaluated: 2022-03-28. Review status: criteria provided, single submitter. Criteria: Invitae Variant Classification Sherloc (09022015). Collection method: clinical testing. Allele origin: germline.
Comment: This sequence change replaces methionine, which is neutral and non-polar, with valine, which is neutral and non-polar, at codon 844 of the MAP3K14 protein (p.Met844Val). This variant is present in population databases (rs771108600, gnomAD 0.01%). This variant has not been reported in the literature in individuals affected with MAP3K14-related conditions. Experimental studies and prediction algorithms are not available or were not evaluated, and the functional significance of this variant is currently unknown. In summary, the available evidence is currently insufficient to determine the role of this variant in disease. Therefore, it has been classified as a Variant of Uncertain Significance.